The following is an entry in ClinVar:

NM_000642.3(AGL):c.1082+75A>G

Gene: AGL (amylo-alpha-1,6-glucosidase and 4-alpha-glucanotransferase; plus strand). Cytogenetic location: 1p21.2.
Variant type: single nucleotide variant.
Coding change: c.1082+75A>G on transcript NM_000642.3 (MANE Select); 75 bases into the intron after coding-DNA position 1082, A replaced by G.
Molecular consequence: intron variant.
Genome position (GRCh38, 1-based): chr1:99,874,885, A>G. VCF-style: chr1-99874885-A-G. GRCh37 (hg19) VCF-style: chr1-100340441-A-G.
Other names: c.1082+75A>G (NM_000643.3, NM_000644.3, NM_001425326.1 and 3 more transcripts); c.1034+75A>G (NM_000646.3); c.878+75A>G (NM_001425328.1, NM_001425329.1); c.704+75A>G (NM_001425332.1).
Identifiers: ClinVar variation 3038565 (VCV003038565.2), dbSNP rs1045423897, ClinGen allele CA27573516.

ClinVar aggregate classification (germline): Likely benign (0 of 4 stars; one submission).

Conditions:
AGL-related disorder. Also called: AGL-related condition.

Allele frequency attached by ClinVar (database versions not stated): gnomAD exomes 0.00005; gnomAD 0.00012; TOPMed 0.00017.
gnomAD v4.1: 91 of 1,512,966 alleles (0.006%); highest among the groups gnomAD compares: Admixed American, 0.14%; no homozygotes.

Submission:

PreventionGenetics, part of Exact Sciences
Classification: Likely benign for AGL-related condition. Last evaluated: 2023-07-28. Review status: no assertion criteria provided. Collection method: clinical testing. Allele origin: germline.
Comment: This variant is classified as likely benign based on ACMG/AMP sequence variant interpretation guidelines (Richards et al. 2015 PMID: 25741868, with internal and published modifications).